The following is an entry in ClinVar:

NM_000371.4(TTR):c.121C>T (p.Arg41Ter)

Gene: TTR (transthyretin; plus strand). Cytogenetic location: 18q12.1.
Variant type: single nucleotide variant.
Coding change: c.121C>T on transcript NM_000371.4 (MANE Select); coding-DNA position 121, C replaced by T.
Protein change: p.Arg41Ter; replaces arginine 41 with a stop codon.
Molecular consequence: nonsense.
Genome position (GRCh38, 1-based): chr18:31,592,947, C>T. VCF-style: chr18-31592947-C-T. GRCh37 (hg19) VCF-style: chr18-29172910-C-T.
Other names: short protein forms R41*.
Identifiers: ClinVar variation 1358349 (VCV001358349.6), dbSNP rs1004021945, ClinGen allele CA402156639.

ClinVar aggregate classification (germline): Uncertain significance (1 of 4 stars; one submission).

Conditions:
Amyloidosis, hereditary systemic 1 (AMYLD1). Also called: Hereditary oculoleptomeningeal amyloid angiopathy; Familial Transthyretin Amyloidosis; AMYLOID CARDIOMYOPATHY; Hereditary Transthyretin Amyloidosis; Familial amyloid polyneuropathy; Isolated Cardiac Amyloidosis. Identifiers: Orphanet 85447, Orphanet 85451, MedGen C2751492, MONDO:0971004, OMIM 105210.

gnomAD v4.1: 4 of 1,614,032 alleles (0.00025%); highest among the groups gnomAD compares: South Asian, 0.0011%; no homozygotes.

Submission:

Labcorp Genetics (formerly Invitae), Labcorp
Classification: Uncertain significance for Amyloidosis, hereditary systemic 1. Last evaluated: 2024-03-15. Review status: criteria provided, single submitter. Criteria: Invitae Variant Classification Sherloc (09022015). Collection method: clinical testing. Allele origin: germline.
Comment: This sequence change creates a premature translational stop signal (p.Arg41*) in the TTR gene. It is expected to result in an absent or disrupted protein product. However, the current clinical and genetic evidence is not sufficient to establish whether loss-of-function variants in TTR cause disease. This variant is not present in population databases (gnomAD no frequency). This variant has not been reported in the literature in individuals affected with TTR-related conditions. ClinVar contains an entry for this variant (Variation ID: 1358349). In summary, the available evidence is currently insufficient to determine the role of this variant in disease. Therefore, it has been classified as a Variant of Uncertain Significance.